The following is an entry in ClinVar:

NM_001267550.2(TTN):c.57112-1G>A

Genes: TTN (titin; minus strand), TTN-AS1 (TTN antisense RNA 1; plus strand). Cytogenetic location: 2q31.2.
Variant type: single nucleotide variant.
Coding change: c.57112-1G>A on transcript NM_001267550.2 (MANE Select); the canonical splice acceptor site of the intron before coding-DNA position 57112, G replaced by A.
Molecular consequence: splice acceptor variant.
Genome position (GRCh38, 1-based): chr2:178,598,059, C>T on the plus strand (G>A on the coding strand, the complement: TTN is on the minus strand). VCF-style: chr2-178598059-C-T. GRCh37 (hg19) VCF-style: chr2-179462786-C-T.
Other names: c.29917-1G>A (NM_003319.4); c.30493-1G>A (NM_133437.4); c.30292-1G>A (NM_133432.3); c.49408-1G>A (NM_133378.4); c.52189-1G>A (NM_001256850.1).
Identifiers: ClinVar variation 1068173 (VCV001068173.9), dbSNP rs2154190178, ClinGen allele CA349523353.

ClinVar aggregate classification (germline): Likely pathogenic. Review status: criteria provided, multiple submitters, no conflicts (2 of 4 stars). 2 submissions from 2 submitters: Likely pathogenic (2). Last evaluated 2026-06-22.

Conditions:
Dilated cardiomyopathy 1G (CMD1G). Identifiers: Orphanet 154, MedGen C1858763, MONDO:0011400, OMIM 604145.
Autosomal recessive limb-girdle muscular dystrophy type 2J (LGMDR10). Also called: MUSCULAR DYSTROPHY, LIMB-GIRDLE, AUTOSOMAL RECESSIVE 10; Limb-girdle muscular dystrophy, type 2J. Identifiers: Orphanet 140922, MedGen C1837342, MONDO:0012127, OMIM 608807.
Cardiovascular phenotype. Identifiers: MedGen CN230736.

gnomAD v4.1: 1 of 1,610,712 alleles (0.000062%); highest among the groups gnomAD compares: Admixed American, 0.0017%; no homozygotes.

Submissions (2):

Ambry Genetics
Classification: Likely pathogenic for Cardiovascular phenotype. Last evaluated: 2026-06-22. Review status: criteria provided, single submitter. Criteria: Ambry Variant Classification Scheme 2023. Collection method: clinical testing. Allele origin: germline.
Comment: The c.29917-1G>A intronic variant consists of a G to A substitution one nucleotide before exon 121 (coding exon 120) of the TTN gene. Variants that disrupt the canonical splice site are expected to cause aberrant splicing, resulting in an abnormal protein or a transcript that is subject to nonsense-mediated mRNA decay. This variant was not reported in population-based cohorts in the Genome Aggregation Database (gnomAD). This nucleotide position is highly conserved in available vertebrate species. In silico splice site analysis predicts that this alteration will weaken the native splice acceptor site and will result in the creation or strengthening of a novel splice acceptor site. Based on the available evidence, this alteration is classified as likely pathogenic.

Labcorp Genetics (formerly Invitae), Labcorp
Classification: Likely pathogenic for Dilated cardiomyopathy 1G; Autosomal recessive limb-girdle muscular dystrophy type 2J. Last evaluated: 2024-12-25. Review status: criteria provided, single submitter. Criteria: Invitae Variant Classification Sherloc (09022015). Collection method: clinical testing. Allele origin: germline.
Comment: This sequence change affects an acceptor splice site in intron 292 of the TTN gene. It is expected to disrupt RNA splicing and likely results in a truncated or disrupted TTN protein. This variant is not present in population databases (gnomAD no frequency). This variant has not been reported in the literature in individuals affected with TTN-related conditions. ClinVar contains an entry for this variant (Variation ID: 1068173). Algorithms developed to predict the effect of sequence changes on RNA splicing suggest that this variant may disrupt the consensus splice site. This variant is located in the A band of TTN (PMID: 25589632). Truncating variants in this region are significantly overrepresented in patients affected with dilated cardiomyopathy (PMID: 25589632). Truncating variants in this region have also been reported in individuals affected with autosomal recessive centronuclear myopathy (PMID: 23975875). In summary, the currently available evidence indicates that the variant is pathogenic, but additional data are needed to prove that conclusively. Therefore, this variant has been classified as Likely Pathogenic.

Literature cited by the submitters: PubMed 25589632 (cited by Labcorp Genetics (formerly Invitae), Labcorp); PubMed 23975875 (cited by Labcorp Genetics (formerly Invitae), Labcorp).